The following is an entry in ClinVar:

NM_001277062.2(MFF):c.744+5_744+6insCAAACTAAA

Gene: MFF (mitochondrial fission factor; plus strand). Cytogenetic location: 2q36.3.
Variant type: Insertion.
Coding change: c.744+5_744+6insCAAACTAAA on transcript NM_001277062.2 (MANE Select); bases 5 to 6 of the intron after coding-DNA position 744, CAAACTAAA inserted.
Molecular consequence: intron variant.
Genome position: GRCh38 VCF-style: chr2-227355766-T-TCAAACTAAA. GRCh37 (hg19) VCF-style: chr2-228220482-T-TCAAACTAAA.
Other names: c.897+5_897+6insCAAACTAAA (NM_001277061.2, NM_020194.5); c.600+5_600+6insCAAACTAAA (NM_001277063.2); c.585+5_585+6insCAAACTAAA (NM_001277064.2); c.525+5_525+6insCAAACTAAA (NM_001277065.2, NM_001277066.2); c.534+5_534+6insCAAACTAAA (NM_001277067.1); c.627+5_627+6insCAAACTAAA (NM_001277068.1).
Identifiers: ClinVar variation 2226992 (VCV002226992.2), dbSNP rs2470172670, ClinGen allele CA2580065915.

ClinVar aggregate classification (germline): Uncertain significance (1 of 4 stars; one submission).

Conditions:
Inborn genetic diseases. Identifiers: MedGen C0950123, MeSH D030342.

Submission:

Ambry Genetics
Classification: Uncertain significance for Inborn genetic diseases. Last evaluated: 2021-09-24. Review status: criteria provided, single submitter. Criteria: Ambry Variant Classification Scheme 2023. Collection method: clinical testing. Allele origin: germline.
Comment: Based on insufficient or conflicting evidence, the clinical significance of this alteration remains unclear.